The following is an entry in ClinVar:

NM_002381.5(MATN3):c.1096G>T (p.Asp366Tyr)

Genes: MATN3 (matrilin 3; minus strand), WDR35-DT (WDR35 divergent transcript; plus strand). Cytogenetic location: 2p24.1.
Variant type: single nucleotide variant.
Coding change: c.1096G>T on transcript NM_002381.5 (MANE Select); coding-DNA position 1096, G replaced by T.
Protein change: p.Asp366Tyr; replaces aspartic acid 366 with tyrosine.
Molecular consequence: missense variant.
Genome position (GRCh38, 1-based): chr2:20,000,513, C>A on the plus strand (G>T on the coding strand, the complement: MATN3 is on the minus strand). VCF-style: chr2-20000513-C-A. GRCh37 (hg19) VCF-style: chr2-20200274-C-A.
Other names: c.1096G>T (NM_002381.4); short protein forms D366Y.
Identifiers: ClinVar variation 1533556 (VCV001533556.10), dbSNP rs150154167, ClinGen allele CA1543804.

ClinVar aggregate classification (germline): Likely benign. Review status: criteria provided, single submitter (1 of 4 stars). 2 submissions from 2 submitters: Likely benign (1). 1 of the submissions does not count toward it. Last evaluated 2025-11-10.

Conditions:
MATN3-related disorder. Also called: MATN3-related condition.

Allele frequency attached by ClinVar (database versions not stated): gnomAD exomes 0.00007 and 0.00014; ExAC 0.00019; 1000 Genomes Project 0.00060; gnomAD 0.00076 and 0.00079; 1000 Genomes Project 30x 0.00078; TOPMed 0.00085; ESP Exome Variant Server 0.00101.
gnomAD v4.1: 226 of 1,612,698 alleles (0.014%); highest among the groups gnomAD compares: African/African-American, 0.28%; 1 homozygote.

Submissions (2):

Labcorp Genetics (formerly Invitae), Labcorp
Classification: Likely benign. Last evaluated: 2025-11-10. Review status: criteria provided, single submitter. Criteria: Invitae Variant Classification Sherloc (09022015). Collection method: clinical testing. Allele origin: germline.

PreventionGenetics, part of Exact Sciences
Classification: Likely benign for MATN3-related condition. Last evaluated: 2022-02-28. Review status: no assertion criteria provided. Collection method: clinical testing. Allele origin: germline. Not counted in ClinVar's aggregate classification.
Comment: This variant is classified as likely benign based on ACMG/AMP sequence variant interpretation guidelines (Richards et al. 2015 PMID: 25741868, with internal and published modifications).